The following is an entry in ClinVar:

ClinVar aggregate classification (germline): Benign/Likely benign. Review status: criteria provided, multiple submitters, no conflicts (2 of 4 stars). 4 submissions from 4 submitters: Benign (1); Likely benign (3). Last evaluated 2025-02-19.

Conditions:
Hereditary cancer-predisposing syndrome. Also called: Hereditary neoplastic syndrome; Neoplastic Syndromes, Hereditary; Tumor predisposition; Hereditary Cancer Syndrome. Identifiers: Orphanet 140162, MedGen C0027672, MeSH D009386, MONDO:0015356.
Breast-ovarian cancer, familial, susceptibility to, 3. Also called: RAD51C-Related Breast/Ovarian Cancer. Identifiers: Orphanet 145, MedGen C3150659, MONDO:0013253, OMIM 613399.
Fanconi anemia complementation group O. Also called: RAD51C-Related Fanconi Anemia. Identifiers: Orphanet 84, MedGen C3150653, MONDO:0013248, OMIM 613390.

Submissions (4):

Myriad Genetics, Inc.
Classification: Benign for Breast-ovarian cancer, familial, susceptibility to, 3. Last evaluated: 2025-02-19. Review status: criteria provided, single submitter. Criteria: Myriad Autosomal Dominant, Autosomal Recessive and X-Linked Classification Criteria (2023). Collection method: clinical testing. Allele origin: unknown.
Comment: This variant is considered benign. This variant is a silent/synonymous amino acid change and it is not expected to impact splicing.

Labcorp Genetics (formerly Invitae), Labcorp
Classification: Likely benign for Fanconi anemia complementation group O. Last evaluated: 2025-02-05. Review status: criteria provided, single submitter. Criteria: Invitae Variant Classification Sherloc (09022015). Collection method: clinical testing. Allele origin: germline.

GeneDx
Classification: Likely benign. Last evaluated: 2017-07-27. Review status: criteria provided, single submitter. Criteria: GeneDx Variant Classification (06012015). Collection method: clinical testing. Allele origin: germline. Affected: yes.
Comment: This variant is considered likely benign or benign based on one or more of the following criteria: it is a conservative change, it occurs at a poorly conserved position in the protein, it is predicted to be benign by multiple in silico algorithms, and/or has population frequency not consistent with disease.

Ambry Genetics
Classification: Likely benign for Hereditary cancer-predisposing syndrome. Last evaluated: 2017-06-08. Review status: criteria provided, single submitter. Criteria: Ambry Variant Classification Scheme 2023. Collection method: clinical testing. Allele origin: germline.

NM_058216.3(RAD51C):c.1086C>T (p.Ser362=)

Gene: RAD51C (RAD51 paralog C; plus strand). Cytogenetic location: 17q22.
Variant type: single nucleotide variant.
Coding change: c.1086C>T on transcript NM_058216.3 (MANE Select); coding-DNA position 1086, C replaced by T.
Protein change: p.Ser362=; no amino-acid change (serine 362 retained).
Molecular consequence: synonymous variant. On other transcripts: non-coding transcript variant (1).
Genome position (GRCh38, 1-based): chr17:58,734,177, C>T. VCF-style: chr17-58734177-C-T. GRCh37 (hg19) VCF-style: chr17-56811538-C-T.
Identifiers: ClinVar variation 484754 (VCV000484754.16), dbSNP rs1555605583, ClinGen allele CA400366360.